The following is an entry in ClinVar:

NM_001458.5(FLNC):c.689G>A (p.Gly230Glu)

Gene: FLNC (filamin C; plus strand). Cytogenetic location: 7q32.1.
Variant type: single nucleotide variant.
Coding change: c.689G>A on transcript NM_001458.5 (MANE Select); coding-DNA position 689, G replaced by A.
Protein change: p.Gly230Glu; replaces glycine 230 with glutamic acid.
Molecular consequence: missense variant.
Genome position (GRCh38, 1-based): chr7:128,837,247, G>A. VCF-style: chr7-128837247-G-A. GRCh37 (hg19) VCF-style: chr7-128477301-G-A.
Other names: c.689G>A, p.Gly230Glu (NM_001127487.2); short protein forms G230E.
Identifiers: ClinVar variation 5017800 (VCV005017800.1).

ClinVar aggregate classification (germline): Uncertain significance (1 of 4 stars; one submission).

Submission:

GeneDx
Classification: Uncertain significance. Last evaluated: 2026-04-03. Review status: criteria provided, single submitter. Criteria: GeneDx Variant Classification Process June 2021. Collection method: clinical testing. Allele origin: germline.
Comment: Not observed at significant frequency in large population cohorts (gnomAD); In silico analysis supports that this missense variant has a deleterious effect on protein structure/function; Has not been previously published as pathogenic or benign to our knowledge